The following is an entry in ClinVar:

ClinVar aggregate classification (germline): Pathogenic (1 of 4 stars; one submission).

Conditions:
Ehlers-Danlos syndrome due to tenascin-X deficiency (EDSCLL1). Also called: Ehlers-Danlos syndrome, classic-like, 1; EHLERS-DANLOS SYNDROME, CLASSIC-LIKE; TNXB-Related Classical-Like Ehlers-Danlos Syndrome; EDS DUE TO TNX DEFICIENCY; TNX DEFICIENCY. Identifiers: Orphanet 230839, MedGen C1848029, MONDO:0011670, OMIM 606408.

Submission:

Myriad Genetics, Inc.
Classification: Pathogenic for Ehlers-Danlos syndrome due to tenascin-X deficiency. Last evaluated: 2024-05-03. Review status: criteria provided, single submitter. Criteria: Myriad Autosomal Dominant, Autosomal Recessive and X-Linked Classification Criteria (2023). Collection method: clinical testing. Allele origin: unknown.
Comment: NM_019105.6(TNXB):c.4923C>A(Y1641*) is expected to be pathogenic in the context of classical-like Ehlers-Danlos syndrome, TNXB-related. This variant is predicted to lead to an abnormal or absent protein product due to the creation of a premature termination codon in TNXB, a gene where loss-of-function variants are known to be pathogenic. Please note: this variant was assessed in the context of healthy population screening.

NM_001365276.2(TNXB):c.4923C>A (p.Tyr1641Ter)

Gene: TNXB (tenascin XB; minus strand). Cytogenetic location: 6p21.33.
Variant type: single nucleotide variant.
Coding change: c.4923C>A on transcript NM_001365276.2 (MANE Select); coding-DNA position 4923, C replaced by A.
Protein change: p.Tyr1641Ter; replaces tyrosine 1641 with a stop codon.
Molecular consequence: nonsense.
Genome position (GRCh38, 1-based): chr6:32,072,057, G>T on the plus strand (C>A on the coding strand, the complement: TNXB is on the minus strand). VCF-style: chr6-32072057-G-T. GRCh37 (hg19) VCF-style: chr6-32039834-G-T.
Other names: c.5664C>A, p.Tyr1888Ter (NM_001428335.1); c.4923C>A, p.Tyr1641Ter (NM_019105.8); short protein forms Y1641*, Y1888*.
Identifiers: ClinVar variation 5012999 (VCV005012999.1).